The following is an entry in ClinVar:

ClinVar aggregate classification (germline): not provided (0 of 4 stars; one submission).

Submissions (2):

Cardiovascular Biomedical Research Unit, Royal Brompton & Harefield NHS Foundation Trust
No classification provided. Review status: no classification provided. Collection method: literature only. Allele origin: germline.
Comment: This variant has been reported in the following publications (PMID:10428953).

Roden Lab, Vanderbilt University Medical Center
No classification provided (evidence only). Condition: Long QT syndrome 5. Review status: no classification provided. Collection method: in vitro. Allele origin: not applicable. Functional consequence: Effect on ion channel function. Not counted in ClinVar's aggregate classification.
ClinVar note: "not provided" was previously submitted as the classification for the variant. However, the classification appeared to be based only on an observation of functional data so it was converted to no classification on 2025-07-30.

Literature cited by the submitters: PubMed 10428953 (cited by Cardiovascular Biomedical Research Unit, Royal Brompton & Harefield NHS Foundation Trust); PubMed 22581653 (cited by Cardiovascular Biomedical Research Unit, Royal Brompton & Harefield NHS Foundation Trust).

NM_000219.6(KCNE1):c.220T>G (p.Ser74Ala)

Gene: KCNE1 (potassium voltage-gated channel subfamily E regulatory subunit 1; minus strand). Cytogenetic location: 21q22.12.
Variant type: single nucleotide variant.
Coding change: c.220T>G on transcript NM_000219.6 (MANE Select); coding-DNA position 220, T replaced by G.
Protein change: p.Ser74Ala; replaces serine 74 with alanine.
Molecular consequence: missense variant.
Genome position (GRCh38, 1-based): chr21:34,449,415, A>C on the plus strand (T>G on the coding strand, the complement: KCNE1 is on the minus strand). VCF-style: chr21-34449415-A-C. GRCh37 (hg19) VCF-style: chr21-35821713-A-C.
Other names: c.220T>G, p.Ser74Ala (NM_001127668.4, NM_001127669.4, NM_001127670.4 and 4 more transcripts); c.220T>G (LRG_290t1); short protein forms S74A.
Identifiers: ClinVar variation 132666 (VCV000132666.3), dbSNP rs199473357, ClinGen allele CA231707.